The following is an entry in ClinVar:

NM_206933.4(USH2A):c.13653del (p.Trp4552fs)

Gene: USH2A (usherin; minus strand). Cytogenetic location: 1q41.
Variant type: Deletion.
Coding change: c.13653del on transcript NM_206933.4 (MANE Select); coding-DNA position 13653, one base deleted (C; older notation c.13653delC).
Protein change: p.Trp4552fs; shifts the reading frame from tryptophan 4552.
Molecular consequence: frameshift variant.
Genome position (GRCh38, 1-based): chr1:215,674,258, G deleted on the plus strand (C on the coding strand, the reverse complement: USH2A is on the minus strand). VCF-style (leftmost placement, unchanged base first): chr1-215674257-AG-A. GRCh37 (hg19) VCF-style: chr1-215847599-AG-A.
Other names: short protein forms W4552fs.
Identifiers: ClinVar variation 5004074 (VCV005004074.1).

ClinVar aggregate classification (germline): Pathogenic (1 of 4 stars; one submission).

Conditions:
USH2A-related disorder. Also called: USH2A-related disorders; USH2A-related condition. Identifiers: MedGen CN239332.

Submission:

Myriad Genetics, Inc.
Classification: Pathogenic for USH2A-related disorder. Last evaluated: 2025-07-21. Review status: criteria provided, single submitter. Criteria: Myriad Autosomal Dominant, Autosomal Recessive and X-Linked Classification Criteria (2023). Collection method: clinical testing. Allele origin: unknown.
Comment: NM_206933.2(USH2A):c.13653delC(W4552Gfs*5) is a frameshift variant classified as pathogenic in the context of USH2A-related disorders. W4552Gfs*5 has not been observed in cases with relevant disease. Relevant functional assessments of this variant are not available in the literature. W4552Gfs*5 has not been observed in referenced population frequency databases. In summary, NM_206933.2(USH2A):c.13653delC(W4552Gfs*5) is a frameshift variant in a gene where loss of function is a known mechanism of disease and is predicted to disrupt protein function. Please note: this variant was assessed in the context of healthy population screening.